The following is an entry in ClinVar:

ClinVar aggregate classification (germline): Likely benign. Review status: criteria provided, multiple submitters, no conflicts (2 of 4 stars). 3 submissions from 3 submitters: Likely benign (3). Last evaluated 2025-12-15.

Conditions:
Familial thoracic aortic aneurysm and aortic dissection (TAAD). Also called: Thoracic aortic aneurysms and dissections. Identifiers: Orphanet 91387, MedGen C4707243, MONDO:0019625.
Ehlers-Danlos syndrome, type 4 (EDSVASC). Also called: Ehlers-Danlos syndrome vascular type; Ehlers Danlos syndrome, ecchymotic type; Ehlers Danlos syndrome, arterial type; Ehlers Danlos syndrome, Sack-Barabas type; Ehlers-Danlos Syndrome Type IV. Identifiers: Orphanet 286, MedGen C0268338, MONDO:0017314, OMIM 130050.

Submissions (3):

Labcorp Genetics (formerly Invitae), Labcorp
Classification: Likely benign for Ehlers-Danlos syndrome, type 4. Last evaluated: 2025-12-15. Review status: criteria provided, single submitter. Criteria: Invitae Variant Classification Sherloc (09022015). Collection method: clinical testing. Allele origin: germline.

All of Us Research Program, National Institutes of Health
Classification: Likely benign for Ehlers-Danlos syndrome, type 4. Last evaluated: 2023-05-04. Review status: criteria provided, single submitter. Criteria: ACMG Guidelines, 2015. Collection method: clinical testing. Allele origin: germline. Inheritance: Autosomal dominant inheritance. Observed: 1 variant allele, 1 heterozygote.
Comment: This study involves interpretation of variants in research participants for the purpose of population health screening. Participant phenotype was not available at the time of variant classification. Additional details can be found in publication PMID: 35346344, PMCID: PMC8962531

Color Diagnostics, LLC DBA Color Health
Classification: Likely benign for Familial thoracic aortic aneurysm and aortic dissection. Last evaluated: 2018-10-02. Review status: criteria provided, single submitter. Criteria: ACMG Guidelines, 2015. Collection method: clinical testing. Allele origin: germline.

NM_000090.4(COL3A1):c.1870-13_1870-11del

Gene: COL3A1 (collagen type III alpha 1 chain; plus strand). Cytogenetic location: 2q32.2.
Variant type: Deletion.
Coding change: c.1870-13_1870-11del on transcript NM_000090.4 (MANE Select); 13 bases into the intron before coding-DNA position 1870 through 11 bases into the intron before coding-DNA position 1870, 3 bases deleted (TAT; older notation c.1870-13_1870-11delTAT).
Molecular consequence: intron variant.
Genome position (GRCh38, 1-based): chr2:188,997,687-188,997,689, TAT deleted; deleting any 3 consecutive bases within chr2:188,997,685-188,997,689 gives the same sequence; the c. name uses the placement nearest the transcript's 3' end. VCF-style (leftmost placement, unchanged base first): chr2-188997684-CATT-C. GRCh37 (hg19) VCF-style: chr2-189862410-CATT-C.
Identifiers: ClinVar variation 629348 (VCV000629348.6), dbSNP rs1312775368, ClinGen allele CA762198745.